The following is an entry in ClinVar:

NM_000430.4(PAFAH1B1):c.412G>T (p.Glu138Ter)

Gene: PAFAH1B1 (platelet activating factor acetylhydrolase 1b regulatory subunit 1; plus strand). Cytogenetic location: 17p13.3.
Variant type: single nucleotide variant.
Coding change: c.412G>T on transcript NM_000430.4 (MANE Select); coding-DNA position 412, G replaced by T.
Protein change: p.Glu138Ter; replaces glutamic acid 138 with a stop codon.
Molecular consequence: nonsense.
Genome position (GRCh38, 1-based): chr17:2,670,175, G>T. VCF-style: chr17-2670175-G-T. GRCh37 (hg19) VCF-style: chr17-2573469-G-T.
Other names: short protein forms E138*.
Identifiers: ClinVar variation 4292688 (VCV004292688.1).

ClinVar aggregate classification (germline): Likely pathogenic (1 of 4 stars; one submission).

Conditions:
Lissencephaly due to LIS1 mutation (LIS1). Also called: Isolated Lissencephaly Sequence; PAFAH1B1-Associated Lissencephaly/Subcortical Band Heterotopia; PAFAH1B1-Related Lissencephaly/Subcortical Band Heterotopia. Identifiers: Orphanet 95232, MedGen C4749301, MONDO:0011830, OMIM 607432.

Submission:

3billion
Classification: Likely pathogenic for Lissencephaly due to LIS1 mutation. Last evaluated: 2024-06-19. Review status: criteria provided, single submitter. Criteria: ACMG Guidelines, 2015. Collection method: clinical testing. Allele origin: germline. Affected: yes.
Comment: The variant is not observed in the gnomAD v4.0.0 dataset. Predicted Consequence/Location: Stop-gained (nonsense): predicted to result in a loss or disruption of normal protein function through nonsense-mediated decay (NMD) or protein truncation. Multiple pathogenic variants are reported downstream of the variant. Therefore, this variant is classified as Likely pathogenic according to the recommendation of ACMG/AMP guideline.